The following continues an entry in ClinVar:

NM_004004.6(GJB2):c.341A>G (p.Glu114Gly)

Gene: GJB2. ClinVar aggregate classification (germline): Benign/Likely benign. Benign (18); Likely benign (1).

Submissions 14 to 23 of 23:

Women's Health and Genetics/Laboratory Corporation of America, LabCorp
Classification: Benign. Last evaluated: 2016-04-13. Review status: criteria provided, single submitter. Criteria: LabCorp Variant Classification Summary - May 2015. Collection method: clinical testing. Allele origin: germline.
Comment: Variant summary: The c.341A>G (p.E114G) in GJB2 gene is a missense change that alters a non-conserved nucleotide and 4/5 in silico tools predict benign outcome. The variant was observed in the large and broad cohorts of the ExAC project at an allele frequency of 1.5%, predominantly in individuals of East Asian descent (18,8%) including numerous homozygous occurrences. This frequency suggests that the variant is a common ethnic-specific functional polymorphism. The variant has been reported to be mainly found in complex form (in cis with V27I) and in trans with V27I ( as well as with other variants) in both affected and unaffected individuals. Ogawa et al., (2014) report this complex variant to be found in unaffected individual who also carried p.Y136X on the other allele. In several patients reported by Dai et al, this variant occurred as complex forms p.[E114G;V27I] and [E114G;V27I;R127H] in compound heterozygosity swith known pathogenic variants, such as c.35delG, c.235delC, c.299_300delAT,Y125X, and c.424_426delTTC. Of typical observation, two patients were compound heterozygous for this variant and c.235delC. Furthermore, the complex p.[E114G;V27I] also co-occurred in cis with a known pathogenic variant (V37I) in four patients suggesting this complex is not pathogenic. Several independent groups showed that E114 in isolation or in complex with V27I formed gap junctions comparable to controls. In the field, this variant is widely accepted to be a polymorphism (Shearer et al., 2014). Taken together, the variant was classified as Benign.

Eurofins Ntd Llc (ga)
Classification: Benign. Last evaluated: 2014-11-14. Review status: criteria provided, single submitter. Criteria: EGL Classification Definitions 2015. Collection method: clinical testing. Allele origin: germline. Observed: 11 variant alleles, 10 heterozygotes, 1 hemizygote.

Laboratory for Molecular Medicine, Mass General Brigham Personalized Medicine
Classification: Benign. Last evaluated: 2014-08-14. Review status: criteria provided, single submitter. Criteria: LMM Criteria. Collection method: clinical testing. Allele origin: germline. Observed: 11 variant alleles.
Comment: Glu114Gly in exon 2 of GJB2: This variant is not expected to have clinical signi ficance because it has been identified in 10-20% Asian chromosomes by several st udies (dbSNP rs2274083; Park 2000, Choung 2002, Watt anasirichaigoon 2004, Tekin 2010, Tsukada 2010, Wei 2013).

Genetic Services Laboratory, University of Chicago
Classification: Benign. Last evaluated: 2013-02-08. Review status: criteria provided, single submitter. Criteria: ACMG Guidelines, 2007. Collection method: clinical testing. Allele origin: germline. Inheritance: Autosomal recessive inheritance.

Breakthrough Genomics
Classification: Benign. Review status: criteria provided, single submitter. Criteria: ACMG Guidelines, 2015. Collection method: not provided. Allele origin: germline. Inheritance: Autosomal recessive inheritance. Affected: yes.

PreventionGenetics, part of Exact Sciences
Classification: Benign. Review status: criteria provided, single submitter. Criteria: ACMG Guidelines, 2015. Collection method: clinical testing. Allele origin: germline.

Natera, Inc.
Classification: Benign for Autosomal recessive deafness type 1A. Last evaluated: 2020-09-16. Review status: no assertion criteria provided. Collection method: clinical testing. Allele origin: germline. Not counted in ClinVar's aggregate classification.

Clinical Genetics DNA and cytogenetics Diagnostics Lab, Erasmus MC, Erasmus Medical Center
Classification: Benign. Review status: no assertion criteria provided. Collection method: clinical testing. Allele origin: germline. Affected: yes. Study: VKGL Data-share Consensus. Not counted in ClinVar's aggregate classification.

Diagnostic Laboratory, Department of Genetics, University Medical Center Groningen
Classification: Benign. Review status: no assertion criteria provided. Collection method: clinical testing. Allele origin: germline. Affected: yes. Study: VKGL Data-share Consensus. Not counted in ClinVar's aggregate classification.

Joint Genome Diagnostic Labs from Nijmegen and Maastricht, Radboudumc and MUMC+
Classification: Benign. Review status: no assertion criteria provided. Collection method: clinical testing. Allele origin: germline. Affected: yes. Study: VKGL Data-share Consensus. Not counted in ClinVar's aggregate classification.

Literature cited by the submitters: PubMed 12792423 (cited by Victorian Clinical Genetics Services, Murdoch Childrens Research Institute and Women's Health and Genetics/Laboratory Corporation of America, LabCorp); PubMed 19366456 (cited by Victorian Clinical Genetics Services, Murdoch Childrens Research Institute and Women's Health and Genetics/Laboratory Corporation of America, LabCorp); PubMed 20301449 (cited by Victorian Clinical Genetics Services, Murdoch Childrens Research Institute); PubMed 28428247 (cited by Victorian Clinical Genetics Services, Murdoch Childrens Research Institute); PubMed 31160754 (cited by Victorian Clinical Genetics Services, Murdoch Childrens Research Institute); PubMed 31195736 (cited by Victorian Clinical Genetics Services, Murdoch Childrens Research Institute); PubMed 34161886 (cited by Victorian Clinical Genetics Services, Murdoch Childrens Research Institute); PubMed 26004784 (cited by Athena Diagnostics); PubMed 26778469 (cited by Athena Diagnostics); PubMed 24737404 (cited by Athena Diagnostics); PubMed 24785414 (cited by Athena Diagnostics and Women's Health and Genetics/Laboratory Corporation of America, LabCorp); PubMed 10983956 (cited by 3 submitters); PubMed 21836520 (cited by Athena Diagnostics); PubMed 26990548 (cited by Athena Diagnostics); PubMed 24645897 (cited by Athena Diagnostics); PubMed 19707039 (cited by Athena Diagnostics); PubMed 21298213 (cited by Athena Diagnostics and Women's Health and Genetics/Laboratory Corporation of America, LabCorp); PubMed 12352684 (cited by 3 submitters); PubMed 21281533 (cited by Athena Diagnostics); PubMed 11493200 (cited by Athena Diagnostics); PubMed 27153395 (cited by Athena Diagnostics); PubMed 20668687 (cited by Athena Diagnostics and Women's Health and Genetics/Laboratory Corporation of America, LabCorp); PubMed 15070423 (cited by Athena Diagnostics); PubMed 25262649 (cited by Athena Diagnostics); PubMed 20201936 (cited by Athena Diagnostics and Laboratory for Molecular Medicine, Mass General Brigham Personalized Medicine); PubMed 20497192 (cited by Athena Diagnostics and Laboratory for Molecular Medicine, Mass General Brigham Personalized Medicine); PubMed 15479191 (cited by Athena Diagnostics and Laboratory for Molecular Medicine, Mass General Brigham Personalized Medicine); PubMed 23826813 (cited by Athena Diagnostics and Laboratory for Molecular Medicine, Mass General Brigham Personalized Medicine); PubMed 23638949 (cited by Athena Diagnostics); PubMed 25388846 (cited by Athena Diagnostics); PubMed 22613756 (cited by Athena Diagnostics and Women's Health and Genetics/Laboratory Corporation of America, LabCorp); PubMed 27063752 (cited by Athena Diagnostics); PubMed 26381000 (cited by Athena Diagnostics); PubMed 26043044 (cited by Athena Diagnostics); PubMed 26885124 (cited by Athena Diagnostics); PubMed 26178431 (cited by Athena Diagnostics); PubMed 28704896 (cited by Athena Diagnostics); PubMed 27534436 (cited by Athena Diagnostics); PubMed 26330914 (cited by Athena Diagnostics); PubMed 26252218 (cited by Athena Diagnostics); PubMed 27843123 (cited by Athena Diagnostics); PubMed 28583500 (cited by Athena Diagnostics); PubMed 25085637 (cited by Athena Diagnostics); PubMed 26095810 (cited by Athena Diagnostics); PubMed 26188157 (cited by Athena Diagnostics); PubMed 24529908 (cited by Athena Diagnostics); PubMed 23665763 (cited by Athena Diagnostics); PubMed 24256046 (cited by Athena Diagnostics); PubMed 26361564 (cited by Athena Diagnostics); PubMed 28651654 (cited by Athena Diagnostics); PubMed 22450542 (cited by Athena Diagnostics); PubMed 23555729 (cited by Athena Diagnostics); PubMed 12746422 (cited by Women's Health and Genetics/Laboratory Corporation of America, LabCorp); PubMed 10633133 (cited by Women's Health and Genetics/Laboratory Corporation of America, LabCorp); PubMed 11698809 (cited by Women's Health and Genetics/Laboratory Corporation of America, LabCorp); PubMed 12865758 (cited by Women's Health and Genetics/Laboratory Corporation of America, LabCorp); PubMed 16379178 (cited by Women's Health and Genetics/Laboratory Corporation of America, LabCorp); PubMed 12172394 (cited by Women's Health and Genetics/Laboratory Corporation of America, LabCorp); PubMed 10607953 (cited by Women's Health and Genetics/Laboratory Corporation of America, LabCorp); PubMed 15504600 (cited by Women's Health and Genetics/Laboratory Corporation of America, LabCorp); PubMed 19719946 (cited by Women's Health and Genetics/Laboratory Corporation of America, LabCorp); PubMed 12172392 (cited by Women's Health and Genetics/Laboratory Corporation of America, LabCorp); PubMed 12673800 (cited by Women's Health and Genetics/Laboratory Corporation of America, LabCorp); PubMed 14505035 (cited by Women's Health and Genetics/Laboratory Corporation of America, LabCorp); PubMed 15666300 (cited by Women's Health and Genetics/Laboratory Corporation of America, LabCorp); PubMed 20607074 (cited by Women's Health and Genetics/Laboratory Corporation of America, LabCorp); PubMed 11494963 (cited by Laboratory for Molecular Medicine, Mass General Brigham Personalized Medicine); PubMed 15790391 (cited by Laboratory for Molecular Medicine, Mass General Brigham Personalized Medicine).